The following is an entry in ClinVar:

NM_000642.3(AGL):c.3626A>G (p.Gln1209Arg)

Gene: AGL (amylo-alpha-1,6-glucosidase and 4-alpha-glucanotransferase; plus strand). Cytogenetic location: 1p21.2.
Variant type: single nucleotide variant.
Coding change: c.3626A>G on transcript NM_000642.3 (MANE Select); coding-DNA position 3626, A replaced by G.
Protein change: p.Gln1209Arg; replaces glutamine 1209 with arginine.
Molecular consequence: missense variant.
Genome position (GRCh38, 1-based): chr1:99,902,720, A>G. VCF-style: chr1-99902720-A-G. GRCh37 (hg19) VCF-style: chr1-100368276-A-G.
Other names: c.3626A>G, p.Gln1209Arg (NM_000028.3, NM_000643.3, NM_000644.3 and 1 more transcripts); c.3578A>G, p.Gln1193Arg (NM_000646.3); c.3605A>G, p.Gln1202Arg (NM_001425326.1); c.3425A>G, p.Gln1142Arg (NM_001425327.1); c.3422A>G, p.Gln1141Arg (NM_001425328.1); c.3287A>G, p.Gln1096Arg (NM_001425329.1); c.3248A>G, p.Gln1083Arg (NM_001425332.1); short protein forms Q1193R, Q1209R, Q1083R, Q1096R, Q1141R, Q1142R, Q1202R.
Identifiers: ClinVar variation 967277 (VCV000967277.10), dbSNP rs1244477744, ClinGen allele CA341334539.
Genomic context (GRCh38, chr1:99,902,720, plus strand): 5'-AACACCCATTATGTCTCAAACAGGATCAGCCATTGTTTGAAGTCATACAGGAAGCAATGC[A>G]AAAACACATGCAGGGCATACAGTTCCGAGAAAGGAATGCTGGTCCCCAGATAGATCGAAA-3'
Protein context (NP_000633.2, residues 1199-1219): PLFEVIQEAM[Gln1209Arg]KHMQGIQFRE

ClinVar aggregate classification (germline): Uncertain significance. Review status: criteria provided, single submitter (1 of 4 stars). 2 submissions from 2 submitters: Uncertain significance (1). 1 of the submissions does not count toward it. Last evaluated 2021-08-30.

Conditions:
Glycogen storage disease type III (GSD3). Also called: FORBES DISEASE; Cori disease. Identifiers: Orphanet 366, MedGen C0017922, MONDO:0009291, OMIM 232400.

Allele frequency attached by ClinVar (database versions not stated): gnomAD exomes below 0.00001.
gnomAD v4.1: 2 of 1,613,544 alleles (0.00012%); highest among the groups gnomAD compares: Non-Finnish European, 0.000085%; no homozygotes.

Submissions (2):

Labcorp Genetics (formerly Invitae), Labcorp
Classification: Uncertain significance for Glycogen storage disease type III. Last evaluated: 2021-08-30. Review status: criteria provided, single submitter. Criteria: Invitae Variant Classification Sherloc (09022015). Collection method: clinical testing. Allele origin: germline.
Comment: This sequence change replaces glutamine with arginine at codon 1209 of the AGL protein (p.Gln1209Arg). The glutamine residue is moderately conserved and there is a small physicochemical difference between glutamine and arginine. This variant is not present in population databases (ExAC no frequency). This variant has not been reported in the literature in individuals affected with AGL-related conditions. Algorithms developed to predict the effect of missense changes on protein structure and function (SIFT, PolyPhen-2, Align-GVGD) all suggest that this variant is likely to be tolerated. In summary, the available evidence is currently insufficient to determine the role of this variant in disease. Therefore, it has been classified as a Variant of Uncertain Significance.

Natera, Inc.
Classification: Uncertain significance for Glycogen storage disease type III. Last evaluated: 2021-06-17. Review status: no assertion criteria provided. Collection method: clinical testing. Allele origin: germline. Not counted in ClinVar's aggregate classification.